The following is an entry in ClinVar:

ClinVar aggregate classification (germline): Uncertain significance. Review status: criteria provided, multiple submitters, no conflicts (2 of 4 stars). 2 submissions from 2 submitters: Uncertain significance (2). Last evaluated 2024-11-10.

Conditions:
Familial thoracic aortic aneurysm and aortic dissection (TAAD). Also called: Thoracic aortic aneurysms and dissections. Identifiers: Orphanet 91387, MedGen C4707243, MONDO:0019625.
Aortic aneurysm, familial thoracic 4 (AAT4). Also called: AORTIC ANEURYSM/AORTIC DISSECTION AND PATENT DUCTUS ARTERIOSUS. Identifiers: MedGen C1851504, MONDO:0007568, OMIM 132900.

Submissions (2):

Labcorp Genetics (formerly Invitae), Labcorp
Classification: Uncertain significance for Aortic aneurysm, familial thoracic 4. Last evaluated: 2024-11-10. Review status: criteria provided, single submitter. Criteria: Invitae Variant Classification Sherloc (09022015). Collection method: clinical testing. Allele origin: germline.
Comment: This sequence change replaces leucine, which is neutral and non-polar, with valine, which is neutral and non-polar, at codon 1050 of the MYH11 protein (p.Leu1050Val). This variant is not present in population databases (gnomAD no frequency). This variant has not been reported in the literature in individuals affected with MYH11-related conditions. Invitae Evidence Modeling of protein sequence and biophysical properties (such as structural, functional, and spatial information, amino acid conservation, physicochemical variation, residue mobility, and thermodynamic stability) indicates that this missense variant is not expected to disrupt MYH11 protein function with a negative predictive value of 95%. In summary, the available evidence is currently insufficient to determine the role of this variant in disease. Therefore, it has been classified as a Variant of Uncertain Significance.

Color Diagnostics, LLC DBA Color Health
Classification: Uncertain significance for Familial thoracic aortic aneurysm and aortic dissection. Last evaluated: 2024-04-29. Review status: criteria provided, single submitter. Criteria: ACMG Guidelines, 2015. Collection method: clinical testing. Allele origin: germline.
Comment: This missense variant replaces leucine with valine at codon 1050 of the MYH11 protein. Computational prediction tools indicate that this variant has a deleterious impact on protein structure and function. To our knowledge, functional studies have not been reported for this variant. This variant has not been reported in individuals affected with MYH11-related disorders in the literature. This variant has not been identified in the general population by the Genome Aggregation Database (gnomAD). The available evidence is insufficient to determine the role of this variant in disease conclusively. Therefore, this variant is classified as a Variant of Uncertain Significance.

NM_002474.3(MYH11):c.3127C>G (p.Leu1043Val)

Gene: MYH11 (myosin heavy chain 11; minus strand). Cytogenetic location: 16p13.11.
Variant type: single nucleotide variant.
Coding change: c.3127C>G on transcript NM_002474.3 (MANE Select); coding-DNA position 3127, C replaced by G.
Protein change: p.Leu1043Val; replaces leucine 1043 with valine.
Molecular consequence: missense variant.
Genome position (GRCh38, 1-based): chr16:15,737,615, G>C on the plus strand (C>G on the coding strand, the complement: MYH11 is on the minus strand). VCF-style: chr16-15737615-G-C. GRCh37 (hg19) VCF-style: chr16-15831472-G-C.
Other names: c.3148C>G, p.Leu1050Val (NM_001040113.2, NM_001040114.2); c.3127C>G, p.Leu1043Val (NM_022844.3); short protein forms L1050V, L1043V.
Identifiers: ClinVar variation 3718844 (VCV003718844.3).
Genomic context (GRCh38, chr16:15,737,615, plus strand): 5'-CACCCTCCAGCTTCCGTTTCAGCTTCTCCAGCTCCTGTCGGCTCTTCTCTTCCTTCTTTA[G>C]CCGCACTGCAAAAACCAAGGTGCTCTTCAGGAAGGGGAGGCCCCAGAGAGATGCCCGGAA-3'
Protein context (NP_002465.1, residues 1033-1053): ESMISELEVR[Leu1043Val]KKEEKSRQEL